The following is an entry in ClinVar:

NM_177438.3(DICER1):c.238G>C (p.Glu80Gln)

Gene: DICER1 (dicer 1, ribonuclease III; minus strand). Cytogenetic location: 14q32.13.
Variant type: single nucleotide variant.
Coding change: c.238G>C on transcript NM_177438.3 (MANE Select); coding-DNA position 238, G replaced by C.
Protein change: p.Glu80Gln; replaces glutamic acid 80 with glutamine.
Molecular consequence: missense variant.
Genome position (GRCh38, 1-based): chr14:95,132,584, C>G on the plus strand (G>C on the coding strand, the complement: DICER1 is on the minus strand). VCF-style: chr14-95132584-C-G. GRCh37 (hg19) VCF-style: chr14-95598921-C-G.
Other names: c.238G>C, p.Glu80Gln (NM_001271282.3, NM_001291628.2, NM_030621.4 and 1 more transcripts); short protein forms E80Q.
Identifiers: ClinVar variation 1514612 (VCV001514612.9), dbSNP rs1595466234, ClinGen allele CA390889871.

ClinVar aggregate classification (germline): Uncertain significance (1 of 4 stars; one submission).

Conditions:
DICER1-related tumor predisposition. Also called: DICER1 syndrome; DICER1-related pleuropulmonary blastoma cancer predisposition syndrome. Identifiers: Orphanet 284343, MedGen C3839822, MONDO:0100216.

Submission:

Labcorp Genetics (formerly Invitae), Labcorp
Classification: Uncertain significance for DICER1-related tumor predisposition. Last evaluated: 2021-06-13. Review status: criteria provided, single submitter. Criteria: Invitae Variant Classification Sherloc (09022015). Collection method: clinical testing. Allele origin: germline.
Comment: In summary, the available evidence is currently insufficient to determine the role of this variant in disease. Therefore, it has been classified as a Variant of Uncertain Significance. Algorithms developed to predict the effect of missense changes on protein structure and function (SIFT, PolyPhen-2, Align-GVGD) all suggest that this variant is likely to be disruptive, but these predictions have not been confirmed by published functional studies and their clinical significance is uncertain. This variant has not been reported in the literature in individuals with DICER1-related conditions. This variant is not present in population databases (ExAC no frequency). This sequence change replaces glutamic acid with glutamine at codon 80 of the DICER1 protein (p.Glu80Gln). The glutamic acid residue is highly conserved and there is a small physicochemical difference between glutamic acid and glutamine.